The following is an entry in ClinVar:

ClinVar aggregate classification (germline): Likely pathogenic. Review status: criteria provided, multiple submitters, no conflicts (2 of 4 stars). 2 submissions from 2 submitters: Likely pathogenic (2). Last evaluated 2025-02-04.

Conditions:
Autosomal recessive hypophosphatemic bone disease (HHRH). Also called: HYPERCALCIURIC RICKETS; Hypophosphatemic rickets with hypercalciuria. Identifiers: Orphanet 157215, MedGen C1853271, MONDO:0009431, OMIM 241530.

Submissions (2):

Labcorp Genetics (formerly Invitae), Labcorp
Classification: Likely pathogenic. Last evaluated: 2025-02-04. Review status: criteria provided, single submitter. Criteria: Invitae Variant Classification Sherloc (09022015). Collection method: clinical testing. Allele origin: germline.
Comment: This variant results in the deletion of part of exon 11 (c.1094-63_1115del) of the SLC34A3 gene. It is expected to disrupt RNA splicing. Variants that disrupt the donor or acceptor splice site typically lead to a loss of protein function (PMID: 16199547), and loss-of-function variants in SLC34A3 are known to be pathogenic (PMID: 16358214, 16358215, 22159077). This variant is not present in population databases (gnomAD no frequency). This variant has not been reported in the literature in individuals affected with SLC34A3-related conditions. In summary, the currently available evidence indicates that the variant is pathogenic, but additional data are needed to prove that conclusively. Therefore, this variant has been classified as Likely Pathogenic.

3billion
Classification: Likely pathogenic for Autosomal recessive hypophosphatemic bone disease. Last evaluated: 2024-11-25. Review status: criteria provided, single submitter. Criteria: ACMG Guidelines, 2015. Collection method: clinical testing. Allele origin: germline. Affected: yes.
Comment: The variant is observed at an extremely low frequency in the gnomAD v4.1.0 dataset (total allele frequency: <0.001%). Predicted Consequence/Location: Canonical splice site: predicted to alter splicing and result in a loss or disruption of normal protein function. Multiple pathogenic loss-of-function variants are reported downstream of the variant. In silico tools predict the variant to alter splicing and produce an abnormal transcript [SpliceAI: 1.00 (spliceogenicity >=0.2, non-spliceogenicity <0.1)]. Therefore, this variant is classified as Likely pathogenic according to the recommendation of ACMG/AMP guideline.

Literature cited by the submitters: PubMed 16199547 (cited by Labcorp Genetics (formerly Invitae), Labcorp); PubMed 16358214 (cited by Labcorp Genetics (formerly Invitae), Labcorp); PubMed 16358215 (cited by Labcorp Genetics (formerly Invitae), Labcorp); PubMed 22159077 (cited by Labcorp Genetics (formerly Invitae), Labcorp).

NM_001177316.2(SLC34A3):c.1094-63_1115del

Gene: SLC34A3 (solute carrier family 34 member 3; plus strand). Cytogenetic location: 9q34.3.
Variant type: Deletion.
Coding change: c.1094-63_1115del on transcript NM_001177316.2 (MANE Select); 63 bases into the intron before coding-DNA position 1094 through coding-DNA position 1115, 85 bases deleted.
Molecular consequence: splice acceptor variant.
Genome position (GRCh38, 1-based): chr9:137,234,353-137,234,437, 85 bases deleted. GRCh37 (hg19): chr9:140,128,805-140,128,889.
Other names: c.1094-63_1115del (NM_001177317.2, NM_080877.3).
Identifiers: ClinVar variation 4293959 (VCV004293959.2).